The following is an entry in ClinVar:

ClinVar aggregate classification (germline): Uncertain significance (1 of 4 stars; one submission).

Conditions:
Long QT syndrome (LQTS). Identifiers: MedGen C0023976, MeSH D008133, MONDO:0002442. Disease mechanism: loss of function. Inheritance: Various modes of inheritance.

Submission:

All of Us Research Program, National Institutes of Health
Classification: Uncertain significance for Long QT syndrome. Last evaluated: 2024-08-06. Review status: criteria provided, single submitter. Criteria: ACMG Guidelines, 2015. Collection method: clinical testing. Allele origin: germline. Inheritance: Autosomal dominant inheritance. Observed: 2 variant alleles, 2 heterozygotes.
Comment: This study involves interpretation of variants in research participants for the purpose of population health screening. Participant phenotype was not available at the time of variant classification. Additional details can be found in publication PMID: 35346344, PMCID: PMC8962531

NM_000238.4(KCNH2):c.438C>A (p.Asn146Lys)

Gene: KCNH2 (potassium voltage-gated channel subfamily H member 2; minus strand). Cytogenetic location: 7q36.1.
Variant type: single nucleotide variant.
Coding change: c.438C>A on transcript NM_000238.4 (MANE Select); coding-DNA position 438, C replaced by A.
Protein change: p.Asn146Lys; replaces asparagine 146 with lysine.
Molecular consequence: missense variant. On other transcripts: non-coding transcript variant (1).
Genome position (GRCh38, 1-based): chr7:150,959,606, G>T on the plus strand (C>A on the coding strand, the complement: KCNH2 is on the minus strand). VCF-style: chr7-150959606-G-T. GRCh37 (hg19) VCF-style: chr7-150656694-G-T.
Other names: c.150C>A, p.Asn50Lys (NM_001406753.1, NM_001406756.1); c.261C>A, p.Asn87Lys (NM_001406755.1); c.138C>A, p.Asn46Lys (NM_001406757.1); c.438C>A, p.Asn146Lys (NM_172056.3); short protein forms N146K, N46K, N50K, N87K.
Identifiers: ClinVar variation 3075368 (VCV003075368.2), dbSNP rs1801495934, ClinGen allele CA369863652.